The following is an entry in ClinVar:

NM_032638.5(GATA2):c.970A>G (p.Lys324Glu)

Gene: GATA2 (GATA binding protein 2; minus strand). Cytogenetic location: 3q21.3.
Variant type: single nucleotide variant.
Coding change: c.970A>G on transcript NM_032638.5 (MANE Select); coding-DNA position 970, A replaced by G.
Protein change: p.Lys324Glu; replaces lysine 324 with glutamic acid.
Molecular consequence: missense variant.
Genome position (GRCh38, 1-based): chr3:128,483,907, T>C on the plus strand (A>G on the coding strand, the complement: GATA2 is on the minus strand). VCF-style: chr3-128483907-T-C. GRCh37 (hg19) VCF-style: chr3-128202750-T-C.
Other names: c.970A>G, p.Lys324Glu (NM_001145661.2, NM_001145662.1); short protein forms K324E.
Identifiers: ClinVar variation 4262151 (VCV004262151.1).

ClinVar aggregate classification (germline): Uncertain significance (1 of 4 stars; one submission).

Conditions:
Inborn genetic diseases. Identifiers: MedGen C0950123, MeSH D030342.

Submission:

Ambry Genetics
Classification: Uncertain significance for Inborn genetic diseases. Last evaluated: 2025-09-10. Review status: criteria provided, single submitter. Criteria: Ambry Variant Classification Scheme 2023. Collection method: clinical testing. Allele origin: germline.
Comment: The p.K324E variant (also known as c.970A>G), located in coding exon 3 of the GATA2 gene, results from an A to G substitution at nucleotide position 970. The lysine at codon 324 is replaced by glutamic acid, an amino acid with similar properties. This amino acid position is highly conserved in available vertebrate species. In addition, this alteration is predicted to be deleterious by in silico analysis. Based on the available evidence, the clinical significance of this variant remains unclear.